The following is an entry in ClinVar:

ClinVar aggregate classification (germline): Pathogenic (1 of 4 stars; one submission).

Conditions:
Primary ciliary dyskinesia 3. Identifiers: Orphanet 244, MedGen C1837618, MONDO:0012085, OMIM 608644.

Submission:

Myriad Genetics, Inc.
Classification: Pathogenic for Primary ciliary dyskinesia 3. Last evaluated: 2024-05-14. Review status: criteria provided, single submitter. Criteria: Myriad Autosomal Dominant, Autosomal Recessive and X-Linked Classification Criteria (2023). Collection method: clinical testing. Allele origin: unknown.
Comment: NM_001369.2(DNAH5):c.10006_10007ins14(A3336Vfs*7) is expected to be pathogenic in the context of primary ciliary dyskinesia, DNAH5-related. This variant is predicted to lead to an abnormal or absent protein product due to the creation of a premature termination codon in DNAH5, a gene where loss-of-function variants are known to be pathogenic. Please note: this variant was assessed in the context of healthy population screening.

NM_001369.3(DNAH5):c.10006_10007insTCTCTTATACACAT (p.Ala3336fs)

Gene: DNAH5 (dynein axonemal heavy chain 5; minus strand). Cytogenetic location: 5p15.2.
Variant type: Insertion.
Coding change: c.10006_10007insTCTCTTATACACAT on transcript NM_001369.3 (MANE Select); coding-DNA positions 10006 to 10007, TCTCTTATACACAT inserted.
Protein change: p.Ala3336fs; shifts the reading frame from alanine 3336.
Molecular consequence: frameshift variant.
Genome position: GRCh38 VCF-style: chr5-13766070-G-GATGTGTATAAGAGA. GRCh37 (hg19) VCF-style: chr5-13766179-G-GATGTGTATAAGAGA.
Other names: short protein forms A3336fs.
Identifiers: ClinVar variation 5016420 (VCV005016420.1).